The following is an entry in ClinVar:

NM_005562.3(LAMC2):c.344G>A (p.Arg115Gln)

Gene: LAMC2 (laminin subunit gamma 2; plus strand). Cytogenetic location: 1q25.3.
Variant type: single nucleotide variant.
Coding change: c.344G>A on transcript NM_005562.3 (MANE Select); coding-DNA position 344, G replaced by A.
Protein change: p.Arg115Gln; replaces arginine 115 with glutamine.
Molecular consequence: missense variant.
Genome position (GRCh38, 1-based): chr1:183,215,528, G>A. VCF-style: chr1-183215528-G-A. GRCh37 (hg19) VCF-style: chr1-183184663-G-A.
Other names: c.344G>A, p.Arg115Gln (NM_018891.3); short protein forms R115Q.
Identifiers: ClinVar variation 293989 (VCV000293989.39), dbSNP rs17481405, ClinGen allele CA1282302.
Genomic context (GRCh38, chr1:183,215,528, plus strand): 5'-GATGTGACAACTCCGGACGGTGCAGCTGTAAACCAGGTGTGACAGGAGCCAGATGCGACC[G>A]ATGTCTGCCAGGCTTCCACATGCTCACGGATGCGGGGTGCACCCAAGACCAGAGACTGCT-3'
Protein context (NP_005553.2, residues 105-125): KPGVTGARCD[Arg115Gln]CLPGFHMLTD

ClinVar aggregate classification (germline): Benign/Likely benign. Review status: criteria provided, multiple submitters, no conflicts (2 of 4 stars). 4 submissions from 4 submitters: Benign (3); Likely benign (1). Last evaluated 2026-07-01.

Conditions:
Junctional epidermolysis bullosa. Identifiers: Orphanet 305, MedGen C0079301, MONDO:0017612.

Allele frequency attached by ClinVar (database versions not stated): 1000 Genomes Project 30x 0.00390; 1000 Genomes Project 0.00399; ESP Exome Variant Server 0.00623; TOPMed 0.00629; gnomAD 0.00843 and 0.00892; ExAC 0.00966; gnomAD exomes 0.01036.
gnomAD v4.1: 15,824 of 1,614,164 alleles (0.98%); highest among the groups gnomAD compares: Middle Eastern, 1.1%; 152 homozygotes.

Submissions (4):

CeGaT Center for Human Genetics Tuebingen
Classification: Likely benign. Last evaluated: 2026-07-01. Review status: criteria provided, single submitter. Criteria: CeGaT Center For Human Genetics Tuebingen Variant Classification Criteria Version 2. Collection method: clinical testing. Allele origin: germline. Affected: yes. Observed: 4 variant alleles.
Comment: LAMC2: BP4, BS2

Labcorp Genetics (formerly Invitae), Labcorp
Classification: Benign. Last evaluated: 2026-02-04. Review status: criteria provided, single submitter. Criteria: Invitae Variant Classification Sherloc (09022015). Collection method: clinical testing. Allele origin: germline.

Illumina Laboratory Services, Illumina
Classification: Benign for Junctional epidermolysis bullosa. Last evaluated: 2018-01-12. Review status: criteria provided, single submitter. Criteria: ICSL Variant Classification Criteria 13 December 2019. Collection method: clinical testing. Allele origin: germline.
Comment: This variant was observed in the ICSL laboratory as part of a predisposition screen in an ostensibly healthy population. It had not been previously curated by ICSL or reported in the Human Gene Mutation Database (HGMD: prior to June 1st, 2018), and was therefore a candidate for classification through an automated scoring system. Utilizing variant allele frequency, disease prevalence and penetrance estimates, and inheritance mode, an automated score was calculated to assess if this variant is too frequent to cause the disease. Based on the score and internal cut-off values, a variant classified as benign is not then subjected to further curation. The score for this variant resulted in a classification of benign for this disease.

Breakthrough Genomics
Classification: Benign. Review status: criteria provided, single submitter. Criteria: ACMG Guidelines, 2015. Collection method: not provided. Allele origin: germline. Inheritance: Autosomal recessive inheritance. Affected: yes.